The following is an entry in ClinVar:

NM_032043.3(BRIP1):c.1141-19A>C

Gene: BRIP1 (BRCA1 interacting DNA helicase 1; minus strand). Cytogenetic location: 17q23.2.
Variant type: single nucleotide variant.
Coding change: c.1141-19A>C on transcript NM_032043.3 (MANE Select); 19 bases into the intron before coding-DNA position 1141, A replaced by C.
Molecular consequence: intron variant.
Genome position (GRCh38, 1-based): chr17:61,799,318, T>G on the plus strand (A>C on the coding strand, the complement: BRIP1 is on the minus strand). VCF-style: chr17-61799318-T-G. GRCh37 (hg19) VCF-style: chr17-59876679-T-G.
Identifiers: ClinVar variation 3378696 (VCV003378696.1).

ClinVar aggregate classification (germline): Likely benign (1 of 4 stars; one submission).

Conditions:
Familial cancer of breast. Also called: hereditary breast carcinoma; Hereditary breast cancer; BREAST CANCER, FAMILIAL. Identifiers: Orphanet 227535, MedGen C0346153, MONDO:0016419, OMIM 114480. Disease mechanism: loss of function.

Submission:

Myriad Genetics, Inc.
Classification: Likely benign for Familial cancer of breast. Last evaluated: 2024-08-23. Review status: criteria provided, single submitter. Criteria: Myriad Autosomal Dominant, Autosomal Recessive and X-Linked Classification Criteria (2023). Collection method: clinical testing. Allele origin: unknown.
Comment: This variant is considered likely benign. This variant is intronic and is not expected to impact mRNA splicing.